The following is an entry in ClinVar:

ClinVar aggregate classification (germline): Benign (1 of 4 stars; one submission).

Allele frequency attached by ClinVar (database versions not stated): 1000 Genomes Project 0.12715; 1000 Genomes Project 30x 0.13236; gnomAD 0.16333 and 0.17025; TOPMed 0.17065.
gnomAD v4.1: 17,781 of 109,535 alleles (16%); highest among the groups gnomAD compares: African/African-American, 30%; 1,420 homozygotes.

Submission:

GeneDx
Classification: Benign. Last evaluated: 2018-06-14. Review status: criteria provided, single submitter. Criteria: GeneDx Variant Classification (06012015). Collection method: clinical testing. Allele origin: germline. Affected: yes.
Comment: This variant is considered likely benign or benign based on one or more of the following criteria: it is a conservative change, it occurs at a poorly conserved position in the protein, it is predicted to be benign by multiple in silico algorithms, and/or has population frequency not consistent with disease.

NM_004006.3(DMD):c.4674+270A>G

Gene: DMD (dystrophin; minus strand). Cytogenetic location: Xp21.1.
Variant type: single nucleotide variant.
Coding change: c.4674+270A>G on transcript NM_004006.3 (MANE Select); 270 bases into the intron after coding-DNA position 4674, A replaced by G.
Molecular consequence: intron variant.
Genome position (GRCh38, 1-based): chrX:32,386,040, T>C on the plus strand (A>G on the coding strand, the complement: DMD is on the minus strand). VCF-style: chrX-32386040-T-C. GRCh37 (hg19) VCF-style: chrX-32404157-T-C.
Other names: c.4650+270A>G (NM_000109.4); c.651+270A>G (NM_004011.4); c.642+270A>G (NM_004012.4); c.4662+270A>G (NM_004009.3); c.4305+270A>G (NM_004010.3).
Identifiers: ClinVar variation 680540 (VCV000680540.1), dbSNP rs57969988, ClinGen allele CA327983551.